The following is an entry in ClinVar:

NM_021071.4(ART4):c.378T>C (p.Tyr126=)

Gene: ART4 (ADP-ribosyltransferase 4 (inactive) (Dombrock blood group); minus strand). Cytogenetic location: 12p12.3.
Variant type: single nucleotide variant.
Coding change: c.378T>C on transcript NM_021071.4 (MANE Select); coding-DNA position 378, T replaced by C.
Protein change: p.Tyr126=; no amino-acid change (tyrosine 126 retained).
Molecular consequence: synonymous variant.
Genome position (GRCh38, 1-based): chr12:14,840,920, A>G on the plus strand (T>C on the coding strand, the complement: ART4 is on the minus strand). VCF-style: chr12-14840920-A-G. GRCh37 (hg19) VCF-style: chr12-14993854-A-G.
Other names: c.378T>C, p.Tyr126= (NM_001354646.2).
Identifiers: ClinVar variation 3060314 (VCV003060314.2), dbSNP rs1861698, ClinGen allele CA6464990.
Genomic context (GRCh38, chr12:14,840,920, plus strand): 5'-AGTCCTGGCAACAGAGGCCATGGCTCTAGTAAAGTCAGAATGAACATTGCTGTTCAATGT[A>G]TAAAACAAAATAGCCACAGCGTGTGTGGTAGTCATGTTCTGGGGTAGAACTTTTCCTTGG-3'
Protein context (NP_066549.2, residues 116-136): TTTHAVAILF[Tyr126=]TLNSNVHSDF

ClinVar aggregate classification (germline): Benign (0 of 4 stars; one submission).

Conditions:
ART4-related disorder. Also called: ART4-related condition.

Allele frequency attached by ClinVar (database versions not stated): 1000 Genomes Project 0.25619; 1000 Genomes Project 30x 0.25921; ExAC 0.31863; gnomAD 0.31967; TOPMed 0.32656; ESP Exome Variant Server 0.34284; gnomAD exomes 0.35563.
gnomAD v4.1: 567,425 of 1,614,000 alleles (35%); highest among the groups gnomAD compares: Middle Eastern, 38%; 103,376 homozygotes.

Submission:

PreventionGenetics, part of Exact Sciences
Classification: Benign for ART4-related condition. Last evaluated: 2019-10-17. Review status: no assertion criteria provided. Collection method: clinical testing. Allele origin: germline.
Comment: This variant is classified as benign based on ACMG/AMP sequence variant interpretation guidelines (Richards et al. 2015 PMID: 25741868, with internal and published modifications).